The following is an entry in ClinVar:

NM_012331.5(MSRA):c.589G>A (p.Glu197Lys)

Gene: MSRA (methionine sulfoxide reductase A). Cytogenetic location: 8p23.1.
Variant type: single nucleotide variant.
Coding change: c.589G>A on transcript NM_012331.5 (MANE Select); coding-DNA position 589, G replaced by A.
Protein change: p.Glu197Lys; replaces glutamic acid 197 with lysine.
Molecular consequence: missense variant.
Genome position (GRCh38, 1-based): chr8:10,428,193, G>A. VCF-style: chr8-10428193-G-A. GRCh37 (hg19) VCF-style: chr8-10285703-G-A.
Other names: c.469G>A, p.Glu157Lys (NM_001135670.3); c.460G>A, p.Glu154Lys (NM_001135671.3); c.391G>A, p.Glu131Lys (NM_001199729.3); short protein forms E131K, E154K, E157K, E197K.
Identifiers: ClinVar variation 3053794 (VCV003053794.2), dbSNP rs374677955, ClinGen allele CA4622404.

ClinVar aggregate classification (germline): Benign (0 of 4 stars; one submission).

Conditions:
MSRA-related disorder. Also called: MSRA-related condition.

Allele frequency attached by ClinVar (database versions not stated): gnomAD 0.00017; ExAC 0.00131; 1000 Genomes Project 0.00160; 1000 Genomes Project 30x 0.00172.
gnomAD v4.1: 767 of 1,614,152 alleles (0.048%); highest among the groups gnomAD compares: South Asian, 0.79%; 13 homozygotes.

Submission:

PreventionGenetics, part of Exact Sciences
Classification: Benign for MSRA-related condition. Last evaluated: 2019-08-13. Review status: no assertion criteria provided. Collection method: clinical testing. Allele origin: germline.
Comment: This variant is classified as benign based on ACMG/AMP sequence variant interpretation guidelines (Richards et al. 2015 PMID: 25741868, with internal and published modifications).